The following is an entry in ClinVar:

ClinVar aggregate classification (germline): Uncertain significance (1 of 4 stars; one submission).

Conditions:
Hereditary cancer-predisposing syndrome. Also called: Neoplastic Syndromes, Hereditary; Tumor predisposition; Hereditary neoplastic syndrome; Hereditary Cancer Syndrome. Identifiers: Orphanet 140162, MedGen C0027672, MeSH D009386, MONDO:0015356.

Submission:

Ambry Genetics
Classification: Uncertain significance for Hereditary cancer-predisposing syndrome. Last evaluated: 2026-07-06. Review status: criteria provided, single submitter. Criteria: Ambry Variant Classification Scheme 2023. Collection method: clinical testing. Allele origin: germline.
Comment: The p.E785K variant (also known as c.2353G>A), located in coding exon 10 of the BLM gene, results from a G to A substitution at nucleotide position 2353. The glutamic acid at codon 785 is replaced by lysine, an amino acid with similar properties. This amino acid position is conserved. In addition, this alteration is predicted to be tolerated by in silico analysis. Based on the available evidence, the clinical significance of this variant remains unclear.

NM_000057.4(BLM):c.2353G>A (p.Glu785Lys)

Gene: BLM (BLM RecQ like helicase; plus strand). Cytogenetic location: 15q26.1.
Variant type: single nucleotide variant.
Coding change: c.2353G>A on transcript NM_000057.4 (MANE Select); coding-DNA position 2353, G replaced by A.
Protein change: p.Glu785Lys; replaces glutamic acid 785 with lysine.
Molecular consequence: missense variant.
Genome position (GRCh38, 1-based): chr15:90,769,178, G>A. VCF-style: chr15-90769178-G-A. GRCh37 (hg19) VCF-style: chr15-91312408-G-A.
Other names: c.2353G>A, p.Glu785Lys (NM_001287246.2, NM_001287247.2); c.1228G>A, p.Glu410Lys (NM_001287248.2); short protein forms E410K, E785K.
Identifiers: ClinVar variation 5032893 (VCV005032893.1).